The following is an entry in ClinVar:

ClinVar aggregate classification (germline): Benign (1 of 4 stars; one submission).

Conditions:
Lynch syndrome 5 (LYNCH5). Also called: Colorectal cancer, hereditary nonpolyposis, type 5; Hereditary non-polyposis colorectal cancer, type 5. Identifiers: Orphanet 144, MedGen C1833477, MONDO:0013710, OMIM 614350. Disease mechanism: loss of function.

Submission:

Myriad Genetics, Inc.
Classification: Benign for Lynch syndrome 5. Last evaluated: 2025-01-07. Review status: criteria provided, single submitter. Criteria: Myriad Autosomal Dominant, Autosomal Recessive and X-Linked Classification Criteria (2023). Collection method: clinical testing. Allele origin: unknown.
Comment: This variant is considered benign. This variant is intronic and is not expected to impact mRNA splicing.

NM_000179.3(MSH6):c.3439-20_3439-12dup

Gene: MSH6 (mutS homolog 6; plus strand). Cytogenetic location: 2p16.3.
Variant type: Duplication.
Coding change: c.3439-20_3439-12dup on transcript NM_000179.3 (MANE Select); 20 bases into the intron before coding-DNA position 3439 through 12 bases into the intron before coding-DNA position 3439, 9 bases duplicated (TTTTCCTCC; older notation c.3439-20_3439-12dupTTTTCCTCC).
Molecular consequence: intron variant.
Genome position (GRCh38, 1-based): chr2:47,804,890-47,804,898, TTTTCCTCC duplicated; duplicating any 9 consecutive bases within chr2:47,804,888-47,804,898 gives the same sequence; the c. name uses the placement nearest the transcript's 3' end. VCF-style (leftmost placement, unchanged base first): chr2-47804887-A-ACCTTTTCCT. GRCh37 (hg19) VCF-style: chr2-48032026-A-ACCTTTTCCT.
Other names: c.3439-20_3439-12dup (NM_001406809.1, NM_001406796.1, NM_001406808.1 and 1 more transcripts); c.2533-20_2533-12dup (NM_001406811.1, NM_001406814.1, NM_001281493.2 and 6 more transcripts); c.3142-20_3142-12dup (NM_001406805.1, NM_001406797.1, NM_001406801.1 and 10 more transcripts); c.3535-20_3535-12dup (NM_001406795.1, NM_001406802.1); c.3445-20_3445-12dup (NM_001406813.1); c.2914-20_2914-12dup (NM_001406807.1, NM_001406799.1, NM_001406806.1); c.3265-20_3265-12dup (NM_001406798.1); c.2575-20_2575-12dup (NM_001406803.1); and 7 more.
Identifiers: ClinVar variation 3903587 (VCV003903587.1).